The following is an entry in ClinVar:

ClinVar aggregate classification (germline): Pathogenic (1 of 4 stars; one submission).

Conditions:
Schimke immuno-osseous dysplasia (SIOD). Also called: Schimke Immunoosseous Dysplasia. Identifiers: Orphanet 1830, MedGen C0877024, MONDO:0009458, OMIM 242900.

Submission:

Labcorp Genetics (formerly Invitae), Labcorp
Classification: Pathogenic for Schimke immuno-osseous dysplasia. Last evaluated: 2023-10-13. Review status: criteria provided, single submitter. Criteria: Invitae Variant Classification Sherloc (09022015). Collection method: clinical testing. Allele origin: germline.
Comment: This sequence change creates a premature translational stop signal (p.Trp843*) in the SMARCAL1 gene. It is expected to result in an absent or disrupted protein product. Loss-of-function variants in SMARCAL1 are known to be pathogenic (PMID: 11799392, 20301550). This variant is not present in population databases (gnomAD no frequency). This variant has not been reported in the literature in individuals affected with SMARCAL1-related conditions. For these reasons, this variant has been classified as Pathogenic.

Literature cited by the submitters: PubMed 11799392; PubMed 20301550.

NM_014140.4(SMARCAL1):c.2529G>A (p.Trp843Ter)

Gene: SMARCAL1 (SNF2 related chromatin remodeling annealing helicase 1; plus strand). Cytogenetic location: 2q35.
Variant type: single nucleotide variant.
Coding change: c.2529G>A on transcript NM_014140.4 (MANE Select); coding-DNA position 2529, G replaced by A.
Protein change: p.Trp843Ter; replaces tryptophan 843 with a stop codon.
Molecular consequence: nonsense.
Genome position (GRCh38, 1-based): chr2:216,478,203, G>A. VCF-style: chr2-216478203-G-A. GRCh37 (hg19) VCF-style: chr2-217342926-G-A.
Other names: c.2529G>A, p.Trp843Ter (NM_001127207.2); short protein forms W843*.
Identifiers: ClinVar variation 2767879 (VCV002767879.3), dbSNP rs2469051879, ClinGen allele CA350504893.